The following is an entry in ClinVar:

ClinVar aggregate classification (germline): Uncertain significance. Review status: criteria provided, multiple submitters, no conflicts (2 of 4 stars). 3 submissions from 3 submitters: Uncertain significance (3). Last evaluated 2024-08-19.

Conditions:
Inborn genetic diseases. Identifiers: MedGen C0950123, MeSH D030342.
BMP1-related disorder. Also called: BMP1-related condition.

Allele frequency attached by ClinVar (database versions not stated): gnomAD exomes below 0.00001; gnomAD 0.00001.
gnomAD v4.1: 16 of 1,614,034 alleles (0.00099%); highest among the groups gnomAD compares: Non-Finnish European, 0.0013%; no homozygotes.

Submissions (3):

Ambry Genetics
Classification: Uncertain significance for Inborn genetic diseases. Last evaluated: 2024-08-19. Review status: criteria provided, single submitter. Criteria: Ambry Variant Classification Scheme 2023. Collection method: clinical testing. Allele origin: germline.

PreventionGenetics, part of Exact Sciences
Classification: Uncertain significance for BMP1-related condition. Last evaluated: 2023-06-22. Review status: criteria provided, single submitter. Criteria: ACMG Guidelines, 2015. Collection method: clinical testing. Allele origin: germline.
Comment: The BMP1 c.304G>T variant is predicted to result in the amino acid substitution p.Gly102Trp. To our knowledge, this variant has not been reported in the literature. This variant is reported in 0.00088% of alleles in individuals of European (Non-Finnish) descent in gnomAD. At this time, the clinical significance of this variant is uncertain due to the absence of conclusive functional and genetic evidence.

Labcorp Genetics (formerly Invitae), Labcorp
Classification: Uncertain significance. Last evaluated: 2022-03-04. Review status: criteria provided, single submitter. Criteria: Invitae Variant Classification Sherloc (09022015). Collection method: clinical testing. Allele origin: germline.
Comment: This sequence change replaces glycine, which is neutral and non-polar, with tryptophan, which is neutral and slightly polar, at codon 102 of the BMP1 protein (p.Gly102Trp). This variant is present in population databases (no rsID available, gnomAD 0.0009%). This variant has not been reported in the literature in individuals affected with BMP1-related conditions. Algorithms developed to predict the effect of missense changes on protein structure and function are either unavailable or do not agree on the potential impact of this missense change (SIFT: "Deleterious"; PolyPhen-2: "Possibly Damaging"; Align-GVGD: "Class C0"). In summary, the available evidence is currently insufficient to determine the role of this variant in disease. Therefore, it has been classified as a Variant of Uncertain Significance.

NM_006129.5(BMP1):c.304G>T (p.Gly102Trp)

Gene: BMP1 (bone morphogenetic protein 1; plus strand). Cytogenetic location: 8p21.3.
Variant type: single nucleotide variant.
Coding change: c.304G>T on transcript NM_006129.5 (MANE Select); coding-DNA position 304, G replaced by T.
Protein change: p.Gly102Trp; replaces glycine 102 with tryptophan.
Molecular consequence: missense variant. On other transcripts: non-coding transcript variant (2).
Genome position (GRCh38, 1-based): chr8:22,176,184, G>T. VCF-style: chr8-22176184-G-T. GRCh37 (hg19) VCF-style: chr8-22033697-G-T.
Other names: c.304G>T, p.Gly102Trp (NM_001199.4); c.304G>T (NM_006129.4); short protein forms G102W.
Identifiers: ClinVar variation 1390263 (VCV001390263.4), dbSNP rs984549151, ClinGen allele CA173491730.
Genomic context (GRCh38, chr8:22,176,184, plus strand): 5'-CCATGACTTCCTCTCTCAGTTCCAGGAAACACTTCTACCCCCAGCTGCCAGAGCACCAAC[G>T]GGCAGCCTCAGAGGGGAGCCTGTGGGAGATGGAGAGGTAGATCCCGTAGCCGGCGGGCGG-3'
Protein context (NP_006120.1, residues 92-112): TSTPSCQSTN[Gly102Trp]QPQRGACGRW